The following is an entry in ClinVar:

ClinVar aggregate classification (germline): Uncertain significance (1 of 4 stars; one submission).

Conditions:
Epileptic encephalopathy. Identifiers: MedGen C0543888, HP:0200134.

Submission:

Labcorp Genetics (formerly Invitae), Labcorp
Classification: Uncertain significance for Epileptic encephalopathy. Last evaluated: 2023-08-14. Review status: criteria provided, single submitter. Criteria: Invitae Variant Classification Sherloc (09022015). Collection method: clinical testing. Allele origin: germline.
Comment: This sequence change replaces lysine, which is basic and polar, with glutamic acid, which is acidic and polar, at codon 115 of the GABBR2 protein (p.Lys115Glu). In summary, the available evidence is currently insufficient to determine the role of this variant in disease. Therefore, it has been classified as a Variant of Uncertain Significance. Advanced modeling of protein sequence and biophysical properties (such as structural, functional, and spatial information, amino acid conservation, physicochemical variation, residue mobility, and thermodynamic stability) performed at Invitae indicates that this missense variant is expected to disrupt GABBR2 protein function. This variant has not been reported in the literature in individuals affected with GABBR2-related conditions. This variant is not present in population databases (gnomAD no frequency).

NM_005458.8(GABBR2):c.343A>G (p.Lys115Glu)

Gene: GABBR2 (gamma-aminobutyric acid type B receptor subunit 2; minus strand). Cytogenetic location: 9q22.33.
Variant type: single nucleotide variant.
Coding change: c.343A>G on transcript NM_005458.8 (MANE Select); coding-DNA position 343, A replaced by G.
Protein change: p.Lys115Glu; replaces lysine 115 with glutamic acid.
Molecular consequence: missense variant.
Genome position (GRCh38, 1-based): chr9:98,578,051, T>C on the plus strand (A>G on the coding strand, the complement: GABBR2 is on the minus strand). VCF-style: chr9-98578051-T-C. GRCh37 (hg19) VCF-style: chr9-101340333-T-C.
Other names: short protein forms K115E.
Identifiers: ClinVar variation 2718770 (VCV002718770.3), dbSNP rs2490139718, ClinGen allele CA374350217.